The following is an entry in ClinVar:

NM_001031710.3(KLHL7):c.1477+6T>C

Gene: KLHL7 (kelch like family member 7; plus strand). Cytogenetic location: 7p15.3.
Variant type: single nucleotide variant.
Coding change: c.1477+6T>C on transcript NM_001031710.3 (MANE Select); 6 bases into the intron after coding-DNA position 1477, T replaced by C.
Molecular consequence: intron variant.
Genome position (GRCh38, 1-based): chr7:23,173,051, T>C. VCF-style: chr7-23173051-T-C. GRCh37 (hg19) VCF-style: chr7-23212670-T-C.
Other names: c.1333+6T>C (NM_018846.5).
Identifiers: ClinVar variation 1375371 (VCV001375371.6), dbSNP rs760682792, ClinGen allele CA4186632.

ClinVar aggregate classification (germline): Uncertain significance (1 of 4 stars; one submission).

Allele frequency attached by ClinVar (database versions not stated): gnomAD exomes below 0.00001; ExAC 0.00001.
gnomAD v4.1: 1 of 1,592,594 alleles (0.000063%); highest among the groups gnomAD compares: Admixed American, 0.0017%; no homozygotes.

Submission:

Labcorp Genetics (formerly Invitae), Labcorp
Classification: Uncertain significance. Last evaluated: 2023-11-28. Review status: criteria provided, single submitter. Criteria: Invitae Variant Classification Sherloc (09022015). Collection method: clinical testing. Allele origin: germline.
Comment: This sequence change falls in intron 10 of the KLHL7 gene. It does not directly change the encoded amino acid sequence of the KLHL7 protein. It affects a nucleotide within the consensus splice site. This variant is present in population databases (rs760682792, gnomAD 0.003%). This variant has not been reported in the literature in individuals affected with KLHL7-related conditions. ClinVar contains an entry for this variant (Variation ID: 1375371). Variants that disrupt the consensus splice site are a relatively common cause of aberrant splicing (PMID: 17576681, 9536098). Algorithms developed to predict the effect of sequence changes on RNA splicing suggest that this variant is not likely to affect RNA splicing. In summary, the available evidence is currently insufficient to determine the role of this variant in disease. Therefore, it has been classified as a Variant of Uncertain Significance.

Literature cited by the submitters: PubMed 17576681; PubMed 9536098.